The following is an entry in ClinVar:

NM_000018.4(ACADVL):c.623G>A (p.Gly208Glu)

Gene: ACADVL (acyl-CoA dehydrogenase very long chain; plus strand). Cytogenetic location: 17p13.1.
Variant type: single nucleotide variant.
Coding change: c.623G>A on transcript NM_000018.4 (MANE Select); coding-DNA position 623, G replaced by A.
Protein change: p.Gly208Glu; replaces glycine 208 with glutamic acid.
Molecular consequence: missense variant.
Genome position (GRCh38, 1-based): chr17:7,221,952, G>A. VCF-style: chr17-7221952-G-A. GRCh37 (hg19) VCF-style: chr17-7125271-G-A.
Other names: c.557G>A, p.Gly186Glu (NM_001033859.3); c.692G>A, p.Gly231Glu (NM_001270447.2); c.395G>A, p.Gly132Glu (NM_001270448.2); short protein forms G208E, G231E, G132E, G186E.
Identifiers: ClinVar variation 932794 (VCV000932794.4), dbSNP rs2071251302, ClinGen allele CA397723336.

ClinVar aggregate classification (germline): Conflicting classifications of pathogenicity. Review status: criteria provided, conflicting classifications (1 of 4 stars). 3 submissions from 3 submitters: Likely pathogenic (1); Uncertain significance (2). Last evaluated 2024-02-21.

Conditions:
ACADVL-related disorder. Also called: ACADVL-related condition.
Very long chain acyl-CoA dehydrogenase deficiency (ACADVLD). Also called: Very Long-Chain Acyl-Coenzyme A Dehydrogenase Deficiency; VLCAD Deficiency. Identifiers: Orphanet 26793, MedGen C3887523, MONDO:0008723, OMIM 201475.

Submissions (3):

Fulgent Genetics
Classification: Likely pathogenic for Very long chain acyl-CoA dehydrogenase deficiency. Last evaluated: 2024-02-21. Review status: criteria provided, single submitter. Criteria: ACMG Guidelines, 2015. Collection method: clinical testing. Allele origin: germline.

PreventionGenetics, part of Exact Sciences
Classification: Uncertain significance for ACADVL-related condition. Last evaluated: 2022-11-10. Review status: criteria provided, single submitter. Criteria: ACMG Guidelines, 2015. Collection method: clinical testing. Allele origin: germline.
Comment: The ACADVL c.623G>A variant is predicted to result in the amino acid substitution p.Gly208Glu. This variant was reported along with a pathogenic ACADVL variant in an individual with newborn screen results suggestive of very long chain acyl-CoA dehydrogenase deficiency (VLCADD). VLCAD enzyme activity was reduced to 8% of control in lymphocytes from the described patient (Hesse et al. 2018. PubMed ID: 30194637). An alternate substitution impacting the same amino acid (p.Gly208Arg) was reported along with a missense variant of uncertain significance in a patient with newborn screen results suggestive of VLCADD (Pena et al. 2016. PubMed ID: 27209629). This variant has not been reported in a large population database, indicating this variant is rare. Although we suspect this variant could possibly be pathogenic, at this time its clinical significance is uncertain due to the absence of conclusive functional and genetic evidence.

Wong Mito Lab, Molecular and Human Genetics, Baylor College of Medicine
Classification: Uncertain significance for Very long chain acyl-CoA dehydrogenase deficiency. Last evaluated: 2019-11-01. Review status: criteria provided, single submitter. Criteria: ACMG Guidelines, 2015. Collection method: clinical testing. Allele origin: germline.
Comment: The NM_000018.3:c.623G>A (NP_000009.1:p.Gly208Glu) [GRCH38: NC_000017.11:g.7221952G>A] variant in ACADVL gene is interpretated to be Uncertain Significance based on ACMG guidelines (PMID: 25741868). This variant has been reported. This variant dose not meet any evidence codes reported in the ACMG guidelines.